The following is an entry in ClinVar:

NM_001330260.2(SCN8A):c.1630A>T (p.Asn544Tyr)

Gene: SCN8A (sodium voltage-gated channel alpha subunit 8; plus strand). Cytogenetic location: 12q13.13.
Variant type: single nucleotide variant.
Coding change: c.1630A>T on transcript NM_001330260.2 (MANE Select); coding-DNA position 1630, A replaced by T.
Protein change: p.Asn544Tyr; replaces asparagine 544 with tyrosine.
Molecular consequence: missense variant.
Genome position (GRCh38, 1-based): chr12:51,706,710, A>T. VCF-style: chr12-51706710-A-T. GRCh37 (hg19) VCF-style: chr12-52100494-A-T.
Other names: c.1630A>T, p.Asn544Tyr (NM_001177984.3, NM_001369788.1, NM_014191.4); short protein forms N544Y.
Identifiers: ClinVar variation 4086346 (VCV004086346.1).

ClinVar aggregate classification (germline): Uncertain significance (1 of 4 stars; one submission).

Submission:

GeneDx
Classification: Uncertain significance. Last evaluated: 2025-03-18. Review status: criteria provided, single submitter. Criteria: GeneDx Variant Classification Process June 2021. Collection method: clinical testing. Allele origin: germline. Affected: yes.
Comment: Not observed at significant frequency in large population cohorts (gnomAD); In silico analysis indicates that this missense variant does not alter protein structure/function; This substitution is predicted to be within the cytoplasmic loop between the first and second homologous domains; Has not been previously published as pathogenic or benign to our knowledge